The following is an entry in ClinVar:

ClinVar aggregate classification (germline): Benign (1 of 4 stars; one submission).

Allele frequency attached by ClinVar (database versions not stated): 1000 Genomes Project 0.27875; 1000 Genomes Project 30x 0.28420; TOPMed 0.32281.
gnomAD v4.1: 131,181 of 461,108 alleles (28%); highest among the groups gnomAD compares: Admixed American, 41%; 19,567 homozygotes.

Submission:

GeneDx
Classification: Benign. Last evaluated: 2018-06-18. Review status: criteria provided, single submitter. Criteria: GeneDx Variant Classification (06012015). Collection method: clinical testing. Allele origin: germline. Affected: yes.
Comment: This variant is considered likely benign or benign based on one or more of the following criteria: it is a conservative change, it occurs at a poorly conserved position in the protein, it is predicted to be benign by multiple in silico algorithms, and/or has population frequency not consistent with disease.

NM_006939.4(SOS2):c.859-152G>A

Gene: SOS2 (SOS Ras/Rho guanine nucleotide exchange factor 2; minus strand). Cytogenetic location: 14q21.3.
Variant type: single nucleotide variant.
Coding change: c.859-152G>A on transcript NM_006939.4 (MANE Select); 152 bases into the intron before coding-DNA position 859, G replaced by A.
Molecular consequence: intron variant.
Genome position (GRCh38, 1-based): chr14:50,180,834, C>T on the plus strand (G>A on the coding strand, the complement: SOS2 is on the minus strand). VCF-style: chr14-50180834-C-T. GRCh37 (hg19) VCF-style: chr14-50647552-C-T.
Identifiers: ClinVar variation 561592 (VCV000561592.1), dbSNP rs28452354, ClinGen allele CA14004595.